The following is an entry in ClinVar:

NM_006755.2(TALDO1):c.347A>T (p.Asp116Val)

Gene: TALDO1 (transaldolase 1; plus strand). Cytogenetic location: 11p15.5.
Variant type: single nucleotide variant.
Coding change: c.347A>T on transcript NM_006755.2 (MANE Select); coding-DNA position 347, A replaced by T.
Protein change: p.Asp116Val; replaces aspartic acid 116 with valine.
Molecular consequence: missense variant.
Genome position (GRCh38, 1-based): chr11:760,139, A>T. VCF-style: chr11-760139-A-T. GRCh37 (hg19) VCF-style: chr11-760139-A-T.
Other names: c.347A>T (NM_006755.1); short protein forms D116V.
Identifiers: ClinVar variation 1601481 (VCV001601481.10), dbSNP rs200597243, ClinGen allele CA5788115.

ClinVar aggregate classification (germline): Benign. Review status: criteria provided, single submitter (1 of 4 stars). 2 submissions from 2 submitters: Benign (1). 1 of the submissions does not count toward it. Last evaluated 2025-12-22.

Conditions:
TALDO1-related disorder. Also called: TALDO1-related condition.

Allele frequency attached by ClinVar (database versions not stated): gnomAD exomes 0.00010 and 0.00047; gnomAD 0.00014 and 0.00017; TOPMed 0.00024; ExAC 0.00048; 1000 Genomes Project 30x 0.00062; 1000 Genomes Project 0.00080.
gnomAD v4.1: 180 of 1,614,128 alleles (0.011%); highest among the groups gnomAD compares: East Asian, 0.36%; no homozygotes.

Submissions (2):

Labcorp Genetics (formerly Invitae), Labcorp
Classification: Benign. Last evaluated: 2025-12-22. Review status: criteria provided, single submitter. Criteria: Invitae Variant Classification Sherloc (09022015). Collection method: clinical testing. Allele origin: germline.

PreventionGenetics, part of Exact Sciences
Classification: Likely benign for TALDO1-related condition. Last evaluated: 2022-06-01. Review status: no assertion criteria provided. Collection method: clinical testing. Allele origin: germline. Not counted in ClinVar's aggregate classification.
Comment: This variant is classified as likely benign based on ACMG/AMP sequence variant interpretation guidelines (Richards et al. 2015 PMID: 25741868, with internal and published modifications).